The following is an entry in ClinVar:

NM_001330677.2(TBX15):c.1341C>T (p.Ile447=)

Gene: TBX15 (T-box transcription factor 15; minus strand). Cytogenetic location: 1p12.
Variant type: single nucleotide variant.
Coding change: c.1341C>T on transcript NM_001330677.2 (MANE Select); coding-DNA position 1341, C replaced by T.
Protein change: p.Ile447=; no amino-acid change (isoleucine 447 retained).
Molecular consequence: synonymous variant.
Genome position (GRCh38, 1-based): chr1:118,885,200, G>A on the plus strand (C>T on the coding strand, the complement: TBX15 is on the minus strand). VCF-style: chr1-118885200-G-A. GRCh37 (hg19) VCF-style: chr1-119427823-G-A.
Other names: c.1023C>T, p.Ile341= (NM_152380.3).
Identifiers: ClinVar variation 4534829 (VCV004534829.6).

ClinVar aggregate classification (germline): Likely benign (1 of 4 stars; one submission).

gnomAD v4.1: 4 of 1,614,076 alleles (0.00025%); highest among the groups gnomAD compares: African/African-American, 0.004%; no homozygotes.

Submission:

CeGaT Center for Human Genetics Tuebingen
Classification: Likely benign. Last evaluated: 2025-10-01. Review status: criteria provided, single submitter. Criteria: CeGaT Center For Human Genetics Tuebingen Variant Classification Criteria Version 2. Collection method: clinical testing. Allele origin: germline. Affected: yes. Observed: 1 variant allele.
Comment: TBX15: BP4, BP7